The following is an entry in ClinVar:

NM_002087.4(GRN):c.299del (p.Pro100fs)

Gene: GRN (granulin precursor; plus strand). Cytogenetic location: 17q21.31.
Variant type: Deletion.
Coding change: c.299del on transcript NM_002087.4 (MANE Select); coding-DNA position 299, one base deleted (C; older notation c.299delC).
Protein change: p.Pro100fs; shifts the reading frame from proline 100.
Molecular consequence: frameshift variant.
Genome position (GRCh38, 1-based): chr17:44,349,701, C deleted; the last of 3 consecutive C bases (chr17:44,349,699-44,349,701); deleting any one gives the same sequence. VCF-style (leftmost placement, unchanged base first): chr17-44349698-GC-G. GRCh37 (hg19) VCF-style: chr17-42427066-GC-G.
Other names: short protein forms P100fs.
Identifiers: ClinVar variation 1075941 (VCV001075941.9), dbSNP rs2048353899, ClinGen allele CA2261353237.
Genomic context (GRCh38, chr17:44,349,698, plus strand): 5'-GCCAATGCAGGTTTCTCTGTGTTCCACAGGCCGTGGCATGCGGGGATGGCCATCACTGCT[GC>G]CCACGGGGCTTCCACTGCAGTGCAGACGGGCGATCCTGCTTCCAAAGATCAGGTGCAGCT-3'

ClinVar aggregate classification (germline): Pathogenic (1 of 4 stars; one submission).

Conditions:
Neuronal ceroid lipofuscinosis 11. Also called: GRN-Related Neuronal Ceroid-Lipofuscinosis. Identifiers: Orphanet 314629, Orphanet 79262, MedGen C3539123, MONDO:0013866, OMIM 614706.
GRN-related frontotemporal lobar degeneration with Tdp43 inclusions (FTD2). Also called: FRONTOTEMPORAL DEMENTIA WITH TDP43 INCLUSIONS, GRN-RELATED; GRN Frontotemporal Dementia; DEMENTIA, HEREDITARY DYSPHASIC DISINHIBITION; FRONTOTEMPORAL LOBAR DEGENERATION WITH UBIQUITIN-POSITIVE INCLUSIONS; FTLD-TDP, GRN-RELATED. Identifiers: Orphanet 100070, Orphanet 282, MedGen C1843792, MONDO:0011842, OMIM 607485. Disease mechanism: loss of function.

Submission:

Labcorp Genetics (formerly Invitae), Labcorp
Classification: Pathogenic for Neuronal ceroid lipofuscinosis 11; GRN-related frontotemporal lobar degeneration with Tdp43 inclusions. Last evaluated: 2020-08-30. Review status: criteria provided, single submitter. Criteria: Invitae Variant Classification Sherloc (09022015). Collection method: clinical testing. Allele origin: germline.
Comment: This variant is not present in population databases (ExAC no frequency). This sequence change creates a premature translational stop signal (p.Pro100Hisfs*156) in the GRN gene. It is expected to result in an absent or disrupted protein product. This variant has been observed in individual(s) with frontotemporal dementia (PMID: 20142524). For these reasons, this variant has been classified as Pathogenic. Loss-of-function variants in GRN are known to be pathogenic (PMID: 22608501).

Literature cited by the submitters: PubMed 20142524; PubMed 22608501.